The following is an entry in ClinVar:

ClinVar aggregate classification (germline): Uncertain significance. Review status: criteria provided, multiple submitters, no conflicts (2 of 4 stars). 2 submissions from 2 submitters: Uncertain significance (2). Last evaluated 2024-04-15.

Conditions:
Nephronophthisis 9 (NPHP9). Identifiers: Orphanet 655, MedGen C3151188, MONDO:0013444, OMIM 613824.
Renal-hepatic-pancreatic dysplasia 2 (RHPD2). Identifiers: MedGen C3809434, MONDO:0014174, OMIM 615415.
Polycystic kidney disease 8. Identifiers: MedGen C5935640, MONDO:0971178, OMIM 620903.

Submissions (2):

Fulgent Genetics
Classification: Uncertain significance for Nephronophthisis 9; Renal-hepatic-pancreatic dysplasia 2; Polycystic kidney disease 8. Last evaluated: 2024-04-15. Review status: criteria provided, single submitter. Criteria: ACMG Guidelines, 2015. Collection method: clinical testing. Allele origin: germline.

GeneDx
Classification: Uncertain significance. Last evaluated: 2022-09-19. Review status: criteria provided, single submitter. Criteria: GeneDx Variant Classification Process June 2021. Collection method: clinical testing. Allele origin: germline. Affected: yes.
Comment: Not observed at significant frequency in large population cohorts (gnomAD); In silico analysis supports that this missense variant has a deleterious effect on protein structure/function; Has not been previously published as pathogenic or benign to our knowledge

NM_178170.3(NEK8):c.508A>T (p.Ile170Phe)

Gene: NEK8 (NIMA related kinase 8; plus strand). Cytogenetic location: 17q11.2.
Variant type: single nucleotide variant.
Coding change: c.508A>T on transcript NM_178170.3 (MANE Select); coding-DNA position 508, A replaced by T.
Protein change: p.Ile170Phe; replaces isoleucine 170 with phenylalanine.
Molecular consequence: missense variant.
Genome position (GRCh38, 1-based): chr17:28,735,261, A>T. VCF-style: chr17-28735261-A-T. GRCh37 (hg19) VCF-style: chr17-27062279-A-T.
Other names: short protein forms I170F.
Identifiers: ClinVar variation 2444833 (VCV002444833.2), dbSNP rs2544438828, ClinGen allele CA398425211.